The following is an entry in ClinVar:

ClinVar aggregate classification (germline): Uncertain significance (1 of 4 stars; one submission).

Submission:

Labcorp Genetics (formerly Invitae), Labcorp
Classification: Uncertain significance. Last evaluated: 2024-02-17. Review status: criteria provided, single submitter. Criteria: Invitae Variant Classification Sherloc (09022015). Collection method: clinical testing. Allele origin: germline.
Comment: This sequence change replaces glutamic acid, which is acidic and polar, with aspartic acid, which is acidic and polar, at codon 787 of the MSH3 protein (p.Glu787Asp). This variant is not present in population databases (gnomAD no frequency). This variant has not been reported in the literature in individuals affected with MSH3-related conditions. An algorithm developed to predict the effect of missense changes on protein structure and function (PolyPhen-2) suggests that this variant is likely to be tolerated. In summary, the available evidence is currently insufficient to determine the role of this variant in disease. Therefore, it has been classified as a Variant of Uncertain Significance.

NM_002439.5(MSH3):c.2361A>T (p.Glu787Asp)

Gene: MSH3 (mutS homolog 3; plus strand). Cytogenetic location: 5q14.1.
Variant type: single nucleotide variant.
Coding change: c.2361A>T on transcript NM_002439.5 (MANE Select); coding-DNA position 2361, A replaced by T.
Protein change: p.Glu787Asp; replaces glutamic acid 787 with aspartic acid.
Molecular consequence: missense variant.
Genome position (GRCh38, 1-based): chr5:80,778,762, A>T. VCF-style: chr5-80778762-A-T. GRCh37 (hg19) VCF-style: chr5-80074581-A-T.
Other names: short protein forms E787D.
Identifiers: ClinVar variation 3641641 (VCV003641641.2).
Genomic context (GRCh38, chr5:80,778,762, plus strand): 5'-TTCTTTCCCCTCTTCTAGCACAAAAGCTGTGAGCCGCTTTCACTCTCCTTTTATTGTAGA[A>T]AATTACAGACATCTGAATCAGCTCCGGGAGCAGCTAGTCCTTGACTGCAGTGCTGAATGG-3'
Protein context (NP_002430.3, residues 777-797): VSRFHSPFIV[Glu787Asp]NYRHLNQLRE